The following is an entry in ClinVar:

NM_002609.4(PDGFRB):c.963G>A (p.Glu321=)

Gene: PDGFRB (platelet derived growth factor receptor beta; minus strand). Cytogenetic location: 5q32.
Variant type: single nucleotide variant.
Coding change: c.963G>A on transcript NM_002609.4 (MANE Select); coding-DNA position 963, G replaced by A.
Protein change: p.Glu321=; no amino-acid change (glutamic acid 321 retained).
Molecular consequence: synonymous variant.
Genome position (GRCh38, 1-based): chr5:150,132,914, C>T on the plus strand (G>A on the coding strand, the complement: PDGFRB is on the minus strand). VCF-style: chr5-150132914-C-T. GRCh37 (hg19) VCF-style: chr5-149512477-C-T.
Other names: c.771G>A, p.Glu257= (NM_001355016.2); c.480G>A, p.Glu160= (NM_001355017.2); c.963G>A (NM_002609.3).
Identifiers: ClinVar variation 1080893 (VCV001080893.13), dbSNP rs773441060, ClinGen allele CA3508142.

ClinVar aggregate classification (germline): Likely benign. Review status: criteria provided, multiple submitters, no conflicts (2 of 4 stars). 3 submissions from 3 submitters: Likely benign (2). 1 of the submissions does not count toward it. Last evaluated 2026-06-01.

Conditions:
PDGFRB-related disorder. Also called: PDGFRB-related condition.
Acroosteolysis-keloid-like lesions-premature aging syndrome. Also called: Progeroid syndrome, Penttinen type; Premature aging syndrome, Penttinen type; Prematurely aged appearance, delayed bone maturation, acro-osteolysis, and brachydactyly. Identifiers: Orphanet 363665, MedGen C1866182, MONDO:0011150, OMIM 601812.
Basal ganglia calcification, idiopathic, 4 (PFBC4). Also called: PRIMARY FAMILIAL BRAIN CALCIFICATION 4, AUTOSOMAL DOMINANT; Familial Idiopathic Basal Ganglia Calcification 4. Identifiers: Orphanet 1980, MedGen C3554321, MONDO:0014004, OMIM 615007.
Infantile myofibromatosis (IMF). Also called: Congenital generalized fibromatosis. Identifiers: Orphanet 2591, MedGen C0432284, MONDO:0016824.
Skeletal overgrowth-craniofacial dysmorphism-hyperelastic skin-white matter lesions syndrome. Also called: SKELETAL OVERGROWTH WITH FACIAL DYSMORPHISM, HYPERELASTIC SKIN, WHITE MATTER LESIONS, AND NEUROLOGIC DETERIORATION; Kosaki overgrowth syndrome. Identifiers: Orphanet 477831, MedGen C4225270, MONDO:0014704, OMIM 616592.

Allele frequency attached by ClinVar (database versions not stated): ExAC 0.00003; gnomAD exomes 0.00006; gnomAD 0.00007.
gnomAD v4.1: 81 of 1,575,548 alleles (0.0051%); highest among the groups gnomAD compares: South Asian, 0.016%; no homozygotes.

Submissions (3):

CeGaT Center for Human Genetics Tuebingen
Classification: Likely benign. Last evaluated: 2026-06-01. Review status: criteria provided, single submitter. Criteria: CeGaT Center For Human Genetics Tuebingen Variant Classification Criteria Version 2. Collection method: clinical testing. Allele origin: germline. Affected: yes. Observed: 1 variant allele.
Comment: PDGFRB: BP4, BP7

Labcorp Genetics (formerly Invitae), Labcorp
Classification: Likely benign for Basal ganglia calcification, idiopathic, 4; Skeletal overgrowth-craniofacial dysmorphism-hyperelastic skin-white matter lesions syndrome; Infantile myofibromatosis; Acroosteolysis-keloid-like lesions-premature aging syndrome. Last evaluated: 2024-10-16. Review status: criteria provided, single submitter. Criteria: Invitae Variant Classification Sherloc (09022015). Collection method: clinical testing. Allele origin: germline.

PreventionGenetics, part of Exact Sciences
Classification: Likely benign for PDGFRB-related condition. Last evaluated: 2019-10-28. Review status: no assertion criteria provided. Collection method: clinical testing. Allele origin: germline. Not counted in ClinVar's aggregate classification.
Comment: This variant is classified as likely benign based on ACMG/AMP sequence variant interpretation guidelines (Richards et al. 2015 PMID: 25741868, with internal and published modifications).